The following is an entry in ClinVar:

ClinVar aggregate classification (germline): Likely benign. Review status: criteria provided, multiple submitters, no conflicts (2 of 4 stars). 11 submissions from 8 submitters: Likely benign (11). Last evaluated 2025-12-31.

Conditions:
Malignant hyperthermia, susceptibility to, 5 (MHS5). Also called: CACNA1S-Related Malignant Hyperthermia Susceptibility. Identifiers: Orphanet 423, MedGen C1866077, MONDO:0011163, OMIM 601887.
Hypokalemic periodic paralysis, type 1. Also called: HypoPP; Hypokalemic Periodic Paralysis Type 1 (AD). Identifiers: Orphanet 681, MedGen C3714580, MONDO:0042979, OMIM 170400.
Thyrotoxic periodic paralysis, susceptibility to, 1 (TTPP1). Identifiers: Orphanet 79102, MedGen C2749982, MONDO:0008570, OMIM 188580.
Congenital myopathy 18. Also called: DIHYDROPYRIDINE RECEPTOR CONGENITAL MYOPATHY; DHPR CONGENITAL MYOPATHY; Myopathy, congenital, due to dihydropyridine receptor defect. Identifiers: MedGen C5830283, MONDO:0859514, OMIM 620246.

Allele frequency attached by ClinVar (database versions not stated): gnomAD exomes 0.00003; ExAC 0.00004; TOPMed 0.00007; ESP Exome Variant Server 0.00015.
gnomAD v4.1: 242 of 1,611,674 alleles (0.015%); highest among the groups gnomAD compares: Non-Finnish European, 0.02%; no homozygotes.

Submissions (11):

Labcorp Genetics (formerly Invitae), Labcorp
Classification: Likely benign for Hypokalemic periodic paralysis, type 1; Malignant hyperthermia, susceptibility to, 5. Last evaluated: 2025-12-31. Review status: criteria provided, single submitter. Criteria: Invitae Variant Classification Sherloc (09022015). Collection method: clinical testing. Allele origin: germline.

Blueprint Genetics
Classification: Likely benign. Last evaluated: 2024-08-16. Review status: criteria provided, single submitter. Criteria: ACMG Guidelines, 2015. Collection method: clinical testing. Allele origin: germline.

All of Us Research Program, National Institutes of Health
Classification: Likely benign for Malignant hyperthermia, susceptibility to, 5. Last evaluated: 2024-02-05. Review status: criteria provided, single submitter. Criteria: ACMG Guidelines, 2015. Collection method: clinical testing. Allele origin: germline. Inheritance: Autosomal dominant inheritance. Observed: 14 variant alleles, 14 heterozygotes.
Comment: This study involves interpretation of variants in research participants for the purpose of population health screening. Participant phenotype was not available at the time of variant classification. Additional details can be found in publication PMID: 35346344, PMCID: PMC8962531

Genome-Nilou Lab
Classification: Likely benign for Malignant hyperthermia, susceptibility to, 5. Last evaluated: 2023-04-11. Review status: criteria provided, single submitter. Criteria: ACMG Guidelines, 2015. Collection method: clinical testing. Allele origin: germline. Affected: no.

Genome-Nilou Lab
Classification: Likely benign for Thyrotoxic periodic paralysis, susceptibility to, 1. Last evaluated: 2023-04-11. Review status: criteria provided, single submitter. Criteria: ACMG Guidelines, 2015. Collection method: clinical testing. Allele origin: germline. Affected: no.

Genome-Nilou Lab
Classification: Likely benign for Congenital myopathy 18. Last evaluated: 2023-04-11. Review status: criteria provided, single submitter. Criteria: ACMG Guidelines, 2015. Collection method: clinical testing. Allele origin: germline. Affected: no.

Genome-Nilou Lab
Classification: Likely benign for Hypokalemic periodic paralysis, type 1. Last evaluated: 2023-04-11. Review status: criteria provided, single submitter. Criteria: ACMG Guidelines, 2015. Collection method: clinical testing. Allele origin: germline. Affected: no.

Color Diagnostics, LLC DBA Color Health
Classification: Likely benign for Malignant hyperthermia, susceptibility to, 5. Last evaluated: 2022-11-06. Review status: criteria provided, single submitter. Criteria: ACMG Guidelines, 2015. Collection method: clinical testing. Allele origin: germline.

Fulgent Genetics
Classification: Likely benign for Hypokalemic periodic paralysis, type 1; Thyrotoxic periodic paralysis, susceptibility to, 1; Malignant hyperthermia, susceptibility to, 5. Last evaluated: 2022-03-07. Review status: criteria provided, single submitter. Criteria: ACMG Guidelines, 2015. Collection method: clinical testing. Allele origin: unknown.

Illumina Laboratory Services, Illumina
Classification: Likely benign for Hypokalemic periodic paralysis, type 1. Last evaluated: 2018-01-12. Review status: criteria provided, single submitter. Criteria: ICSL Variant Classification Criteria 13 December 2019. Collection method: clinical testing. Allele origin: germline.
Comment: This variant was observed in the ICSL laboratory as part of a predisposition screen in an ostensibly healthy population. It had not been previously curated by ICSL or reported in the Human Gene Mutation Database (HGMD: prior to June 1st, 2018), and was therefore a candidate for classification through an automated scoring system. Utilizing variant allele frequency, disease prevalence and penetrance estimates, and inheritance mode, an automated score was calculated to assess if this variant is too frequent to cause the disease. Based on the score and internal cut-off values, a variant classified as likely benign is not then subjected to further curation. The score for this variant resulted in a classification of likely benign for this disease.

GeneDx
Classification: Likely benign. Last evaluated: 2016-09-27. Review status: criteria provided, single submitter. Criteria: GeneDx Variant Classification (06012015). Collection method: clinical testing. Allele origin: germline. Affected: yes.
Comment: This variant is considered likely benign or benign based on one or more of the following criteria: it is a conservative change, it occurs at a poorly conserved position in the protein, it is predicted to be benign by multiple in silico algorithms, and/or has population frequency not consistent with disease.

NM_000069.3(CACNA1S):c.915C>T (p.Ile305=)

Gene: CACNA1S (calcium voltage-gated channel subunit alpha1 S; minus strand). Cytogenetic location: 1q32.1.
Variant type: single nucleotide variant.
Coding change: c.915C>T on transcript NM_000069.3 (MANE Select); coding-DNA position 915, C replaced by T.
Protein change: p.Ile305=; no amino-acid change (isoleucine 305 retained).
Molecular consequence: synonymous variant.
Genome position (GRCh38, 1-based): chr1:201,087,915, G>A on the plus strand (C>T on the coding strand, the complement: CACNA1S is on the minus strand). VCF-style: chr1-201087915-G-A. GRCh37 (hg19) VCF-style: chr1-201057043-G-A.
Identifiers: ClinVar variation 389356 (VCV000389356.21), dbSNP rs376517944, ClinGen allele CA084063.